The following is an entry in ClinVar:

ClinVar aggregate classification (germline): Uncertain significance (1 of 4 stars; one submission).

Allele frequency attached by ClinVar (database versions not stated): gnomAD exomes below 0.00001.
gnomAD v4.1: 1 of 1,614,130 alleles (0.000062%); highest among the groups gnomAD compares: Non-Finnish European, 0.000085%; no homozygotes.

Submission:

Labcorp Genetics (formerly Invitae), Labcorp
Classification: Uncertain significance. Last evaluated: 2022-08-18. Review status: criteria provided, single submitter. Criteria: Invitae Variant Classification Sherloc (09022015). Collection method: clinical testing. Allele origin: germline.
Comment: Algorithms developed to predict the effect of missense changes on protein structure and function are either unavailable or do not agree on the potential impact of this missense change (SIFT: "Tolerated"; PolyPhen-2: "Possibly Damaging"; Align-GVGD: "Class C0"). This variant has not been reported in the literature in individuals affected with CTNNA1-related conditions. This variant is not present in population databases (gnomAD no frequency). This sequence change replaces aspartic acid, which is acidic and polar, with glycine, which is neutral and non-polar, at codon 613 of the CTNNA1 protein (p.Asp613Gly). In summary, the available evidence is currently insufficient to determine the role of this variant in disease. Therefore, it has been classified as a Variant of Uncertain Significance.

NM_001903.5(CTNNA1):c.1838A>G (p.Asp613Gly)

Gene: CTNNA1 (catenin alpha 1; plus strand). Cytogenetic location: 5q31.2.
Variant type: single nucleotide variant.
Coding change: c.1838A>G on transcript NM_001903.5 (MANE Select); coding-DNA position 1838, A replaced by G.
Protein change: p.Asp613Gly; replaces aspartic acid 613 with glycine.
Molecular consequence: missense variant.
Genome position (GRCh38, 1-based): chr5:138,925,346, A>G. VCF-style: chr5-138925346-A-G. GRCh37 (hg19) VCF-style: chr5-138261035-A-G.
Other names: c.1838A>G, p.Asp613Gly (NM_001290307.3, NM_001323982.2, NM_001323983.1 and 2 more transcripts); c.1529A>G, p.Asp510Gly (NM_001290309.3); c.1469A>G, p.Asp490Gly (NM_001290310.3); c.728A>G, p.Asp243Gly (NM_001290312.1, NM_001323987.1, NM_001323988.1 and 17 more transcripts); c.1745A>G, p.Asp582Gly (NM_001323986.2); c.389A>G, p.Asp130Gly (NM_001324010.1, NM_001324006.1, NM_001324007.1 and 2 more transcripts); c.635A>G, p.Asp212Gly (NM_001324011.1); c.485A>G, p.Asp162Gly (NM_001324012.1, NM_001324013.1); short protein forms D130G, D162G, D212G, D243G, D490G, D510G, D582G, D613G.
Identifiers: ClinVar variation 1716651 (VCV001716651.5), dbSNP rs2533735350, ClinGen allele CA361132320.